The following is an entry in ClinVar:

ClinVar aggregate classification (germline): Uncertain significance. Review status: criteria provided, multiple submitters, no conflicts (2 of 4 stars). 2 submissions from 2 submitters: Uncertain significance (2). Last evaluated 2026-03-19.

Conditions:
Inborn genetic diseases. Identifiers: MedGen C0950123, MeSH D030342.

Allele frequency attached by ClinVar (database versions not stated): gnomAD exomes below 0.00001.

Submissions (2):

Ambry Genetics
Classification: Uncertain significance for Inborn genetic diseases. Last evaluated: 2026-03-19. Review status: criteria provided, single submitter. Criteria: Ambry Variant Classification Scheme 2023. Collection method: clinical testing. Allele origin: germline.

Labcorp Genetics (formerly Invitae), Labcorp
Classification: Uncertain significance. Last evaluated: 2022-09-15. Review status: criteria provided, single submitter. Criteria: Invitae Variant Classification Sherloc (09022015). Collection method: clinical testing. Allele origin: germline.
Comment: This sequence change replaces glutamic acid, which is acidic and polar, with lysine, which is basic and polar, at codon 158 of the DLX3 protein (p.Glu158Lys). In summary, the available evidence is currently insufficient to determine the role of this variant in disease. Therefore, it has been classified as a Variant of Uncertain Significance. Advanced modeling of protein sequence and biophysical properties (such as structural, functional, and spatial information, amino acid conservation, physicochemical variation, residue mobility, and thermodynamic stability) performed at Invitae indicates that this missense variant is expected to disrupt DLX3 protein function. This variant has not been reported in the literature in individuals affected with DLX3-related conditions. The frequency data for this variant in the population databases is considered unreliable, as metrics indicate poor data quality at this position in the gnomAD database.

NM_005220.3(DLX3):c.472G>A (p.Glu158Lys)

Gene: DLX3 (distal-less homeobox 3; minus strand). Cytogenetic location: 17q21.33.
Variant type: single nucleotide variant.
Coding change: c.472G>A on transcript NM_005220.3 (MANE Select); coding-DNA position 472, G replaced by A.
Protein change: p.Glu158Lys; replaces glutamic acid 158 with lysine.
Molecular consequence: missense variant.
Genome position (GRCh38, 1-based): chr17:49,993,444, C>T on the plus strand (G>A on the coding strand, the complement: DLX3 is on the minus strand). VCF-style: chr17-49993444-C-T. GRCh37 (hg19) VCF-style: chr17-48070808-C-T.
Other names: c.472G>A (NM_005220.2); short protein forms E158K.
Identifiers: ClinVar variation 2161383 (VCV002161383.5), dbSNP rs1296056573, ClinGen allele CA400175504.
Genomic context (GRCh38, chr17:49,993,444, plus strand): 5'-ACAGCCAAACACCAACCTGTGTCTGCGTGAGGCCCAGCTGCGCGGCCAGCTCGGCGCGCT[C>T]GGGCAGCGCCAGGTACTGGGCCTTCTGGAAGCGGCGCTGCAGGGCGGCCAGCTGGTAGCT-3'
Protein context (NP_005211.1, residues 148-168): FQKAQYLALP[Glu158Lys]RAELAAQLGL